The following is an entry in ClinVar:

ClinVar aggregate classification (germline): Pathogenic (1 of 4 stars; one submission).

Submission:

GeneDx
Classification: Pathogenic. Last evaluated: 2016-08-29. Review status: criteria provided, single submitter. Criteria: GeneDx Variant Classification (06012015). Collection method: clinical testing. Allele origin: germline. Affected: yes.
Comment: The G606R pathogenic variant in the COL2A1 gene has not been reported previously as a pathogenic variant, nor as a benign variant, to our knowledge. The G606R variant was not observed in approximately 6500 individuals of European and African American ancestry in the NHLBI Exome Sequencing Project, indicating it is not a common benign variant in these populations. The G606R variant is a non-conservative amino acid substitution, which is likely to impact secondary protein structure as these residues differ in polarity, charge, size and/or other properties. This substitution occurs at a position that is conserved across species, affecting a Glycine residue of the triple-helical region containing Gly-X-Y repeats. In silico analysis predicts this variant is probably damaging to the protein structure/function. Missense variants in nearby residues (G600V, G600D, G603V) have been reported in the Human Gene Mutation Database in association with COL2A1-related disorders (Stenson et al., 2014), supporting the functional importance of this region of the protein. We interpret G606R as a pathogenic variant,

NM_001844.5(COL2A1):c.1816G>C (p.Gly606Arg)

Gene: COL2A1 (collagen type II alpha 1 chain; minus strand). Cytogenetic location: 12q13.11.
Variant type: single nucleotide variant.
Coding change: c.1816G>C on transcript NM_001844.5 (MANE Select); coding-DNA position 1816, G replaced by C.
Protein change: p.Gly606Arg; replaces glycine 606 with arginine.
Molecular consequence: missense variant.
Genome position (GRCh38, 1-based): chr12:47,985,012, C>G on the plus strand (G>C on the coding strand, the complement: COL2A1 is on the minus strand). VCF-style: chr12-47985012-C-G. GRCh37 (hg19) VCF-style: chr12-48378795-C-G.
Other names: c.1609G>C, p.Gly537Arg (NM_033150.3); short protein forms G606R, G537R.
Identifiers: ClinVar variation 280805 (VCV000280805.2), dbSNP rs886041945, ClinGen allele CA10603157.